The following is an entry in ClinVar:

ClinVar aggregate classification (germline): Uncertain significance. Review status: criteria provided, multiple submitters, no conflicts (2 of 4 stars). 2 submissions from 2 submitters: Uncertain significance (2). Last evaluated 2025-06-11.

Conditions:
Choanal atresia-athelia-hypothyroidism-delayed puberty-short stature syndrome (BCAHH). Also called: BRANCHIAL ARCH ABNORMALITIES, CHOANAL ATRESIA, ATHELIA, HEARING LOSS, AND HYPOTHYROIDISM SYNDROME. Identifiers: Orphanet 589856, MedGen C5680310, MONDO:0035651, OMIM 620186.
Kabuki syndrome 1 (KABUK1). Also called: KMT2D-Related Kabuki Syndrome. Identifiers: Orphanet 2322, MedGen CN030661, MONDO:0007843, OMIM 147920.
Kabuki syndrome. Also called: NIIKAWA-KUROKI SYNDROME; Kabuki make-up syndrome. Identifiers: Orphanet 2322, MedGen C0796004, MONDO:0016512.

gnomAD v4.1: 1 of 1,613,458 alleles (0.000062%); no homozygotes.

Submissions (2):

Labcorp Genetics (formerly Invitae), Labcorp
Classification: Uncertain significance for Kabuki syndrome. Last evaluated: 2025-06-11. Review status: criteria provided, single submitter. Criteria: Invitae Variant Classification Sherloc (09022015). Collection method: clinical testing. Allele origin: germline.
Comment: This sequence change replaces asparagine, which is neutral and polar, with threonine, which is neutral and polar, at codon 3352 of the KMT2D protein (p.Asn3352Thr). This variant is not present in population databases (gnomAD no frequency). This variant has not been reported in the literature in individuals affected with KMT2D-related conditions. ClinVar contains an entry for this variant (Variation ID: 3574735). Invitae Evidence Modeling of protein sequence and biophysical properties (such as structural, functional, and spatial information, amino acid conservation, physicochemical variation, residue mobility, and thermodynamic stability) indicates that this missense variant is not expected to disrupt KMT2D protein function with a negative predictive value of 95%. In summary, the available evidence is currently insufficient to determine the role of this variant in disease. Therefore, it has been classified as a Variant of Uncertain Significance.

Fulgent Genetics
Classification: Uncertain significance for Kabuki syndrome 1; Choanal atresia-athelia-hypothyroidism-delayed puberty-short stature syndrome. Last evaluated: 2024-06-17. Review status: criteria provided, single submitter. Criteria: ACMG Guidelines, 2015. Collection method: clinical testing. Allele origin: germline.

NM_003482.4(KMT2D):c.10055A>C (p.Asn3352Thr)

Gene: KMT2D (lysine methyltransferase 2D; minus strand). Cytogenetic location: 12q13.12.
Variant type: single nucleotide variant.
Coding change: c.10055A>C on transcript NM_003482.4 (MANE Select); coding-DNA position 10055, A replaced by C.
Protein change: p.Asn3352Thr; replaces asparagine 3352 with threonine.
Molecular consequence: missense variant.
Genome position (GRCh38, 1-based): chr12:49,037,301, T>G on the plus strand (A>C on the coding strand, the complement: KMT2D is on the minus strand). VCF-style: chr12-49037301-T-G. GRCh37 (hg19) VCF-style: chr12-49431084-T-G.
Other names: short protein forms N3352T.
Identifiers: ClinVar variation 3574735 (VCV003574735.2).
Genomic context (GRCh38, chr12:49,037,301, plus strand): 5'-CTCTGCTGGGGTACCAAGCCTGCCTGCCCTCCATGCTGCCCACTTAGCATATGCCCTTGA[T>G]TGGACACCATAGCCATGGATGGAGCCAGGCGTTGCTGGAGGGCATGAGCTGGTGGCTGGG-3'
Protein context (NP_003473.3, residues 3342-3362): RLAPSMAMVS[Asn3352Thr]QGHMLSGQHG